The following is an entry in ClinVar:

NM_001366244.2(GOLGA2):c.574C>T (p.Gln192Ter)

Gene: GOLGA2 (golgin A2; minus strand). Cytogenetic location: 9q34.11.
Variant type: single nucleotide variant.
Coding change: c.574C>T on transcript NM_001366244.2 (MANE Select); coding-DNA position 574, C replaced by T.
Protein change: p.Gln192Ter; replaces glutamine 192 with a stop codon.
Molecular consequence: nonsense. On other transcripts: intron variant (9).
Genome position (GRCh38, 1-based): chr9:128,267,262, G>A on the plus strand (C>T on the coding strand, the complement: GOLGA2 is on the minus strand). VCF-style: chr9-128267262-G-A. GRCh37 (hg19) VCF-style: chr9-131029541-G-A.
Other names: c.574C>T, p.Gln192Ter (NM_001389696.2); c.493C>T, p.Gln165Ter (NM_001389700.2, NM_004486.6); c.388C>T, p.Gln130Ter (NM_001389702.2); c.208-1242C>T (NM_001389705.2); c.208-937C>T (NM_001389704.2); c.480+196C>T (NM_001389703.2, NM_001389701.2); c.561+196C>T (NM_001389699.2, NM_001389697.2, NM_001389698.2 and 1 more transcripts); c.562-3C>T (NM_001389695.2); short protein forms Q130*, Q165*, Q192*.
Identifiers: ClinVar variation 2157154 (VCV002157154.2), dbSNP rs201878233, ClinGen allele CA375014416.

ClinVar aggregate classification (germline): Pathogenic/Likely pathogenic. Review status: criteria provided, multiple submitters, no conflicts (2 of 4 stars). 2 submissions from 2 submitters: Pathogenic (1); Likely pathogenic (1). Last evaluated 2022-07-05.

Conditions:
Developmental delay with hypotonia, myopathy, and brain abnormalities (DEDHMB). Identifiers: MedGen C5830270, MONDO:0859375, OMIM 620240.

gnomAD v4.1: 2 of 1,608,662 alleles (0.00012%); highest among the groups gnomAD compares: Non-Finnish European, 0.00017%; no homozygotes.

Submissions (2):

Labcorp Genetics (formerly Invitae), Labcorp
Classification: Pathogenic. Last evaluated: 2022-07-05. Review status: criteria provided, single submitter. Criteria: Invitae Variant Classification Sherloc (09022015). Collection method: clinical testing. Allele origin: germline.
Comment: This sequence change creates a premature translational stop signal (p.Gln165*) in the GOLGA2 gene. It is expected to result in an absent or disrupted protein product. Loss-of-function variants in GOLGA2 are known to be pathogenic (PMID: 26742501, 30237576, 34424553). This variant is present in population databases (no rsID available, gnomAD 0.0009%). This variant has not been reported in the literature in individuals affected with GOLGA2-related conditions. For these reasons, this variant has been classified as Pathogenic.

ARUP Laboratories, Molecular Genetics and Genomics, ARUP Laboratories
Classification: Likely pathogenic for Developmental delay with hypotonia, myopathy, and brain abnormalities. Review status: criteria provided, single submitter. Criteria: ARUP Molecular Germline Variant Investigation Process 2024. Collection method: clinical testing. Allele origin: germline.
Comment: The GOLGA2 c.457C>T; p.Gln153Ter variant is not reported in the medical literature. This variant is found in the general population with an overall allele frequency of 0.000004 (1/251388 alleles) in the Genome Aggregation Database (v2.1.1). This variant induces an early termination codon and is predicted to result in a truncated protein or mRNA subject to nonsense-mediated decay. Based on available information, this variant is considered to be likely pathogenic.

Literature cited by the submitters: PubMed 26742501 (cited by Labcorp Genetics (formerly Invitae), Labcorp); PubMed 30237576 (cited by Labcorp Genetics (formerly Invitae), Labcorp); PubMed 34424553 (cited by Labcorp Genetics (formerly Invitae), Labcorp).